The following is an entry in ClinVar:

NM_000211.5(ITGB2):c.1323T>C (p.Val441=)

Gene: ITGB2 (integrin subunit beta 2; minus strand). Cytogenetic location: 21q22.3.
Variant type: single nucleotide variant.
Coding change: c.1323T>C on transcript NM_000211.5 (MANE Select); coding-DNA position 1323, T replaced by C.
Protein change: p.Val441=; no amino-acid change (valine 441 retained).
Molecular consequence: synonymous variant.
Genome position (GRCh38, 1-based): chr21:44,891,898, A>G on the plus strand (T>C on the coding strand, the complement: ITGB2 is on the minus strand). VCF-style: chr21-44891898-A-G. GRCh37 (hg19) VCF-style: chr21-46311813-A-G.
Other names: p.Val441=; c.1323T>C, p.Val441= (NM_001127491.3); c.1116T>C, p.Val372= (NM_001303238.2); c.1323T>C (NM_000211.4).
Identifiers: ClinVar variation 340155 (VCV000340155.33), dbSNP rs235326, ClinGen allele CA10062857.

ClinVar aggregate classification (germline): Benign. Review status: criteria provided, multiple submitters, no conflicts (2 of 4 stars). 12 submissions from 12 submitters: Benign (10). 2 of the submissions do not count toward it. Last evaluated 2026-02-04.

Conditions:
Leukocyte adhesion deficiency 1 (LAD1). Also called: LAD 1; Lymphocyte function-associated antigen 1 immunodeficiency; LFA 1 immunodeficiency; LEUKOCYTE ADHESION DEFICIENCY, TYPE I. Identifiers: Orphanet 2968, Orphanet 99842, MedGen C0398738, MONDO:0007293, OMIM 116920.

Allele frequency attached by ClinVar (database versions not stated): gnomAD exomes 0.67201 and 0.68071; ExAC 0.68883; gnomAD 0.74016 and 0.74399; TOPMed 0.74739; ESP Exome Variant Server 0.75015; 1000 Genomes Project 0.76298; 1000 Genomes Project 30x 0.76905.
gnomAD v4.1: 1,095,137 of 1,612,870 alleles (68%); highest among the groups gnomAD compares: African/African-American, 93%; 375,454 homozygotes.

Submissions (12):

Labcorp Genetics (formerly Invitae), Labcorp
Classification: Benign for Leukocyte adhesion deficiency 1. Last evaluated: 2026-02-04. Review status: criteria provided, single submitter. Criteria: Invitae Variant Classification Sherloc (09022015). Collection method: clinical testing. Allele origin: germline.

Women's Health and Genetics/Laboratory Corporation of America, LabCorp
Classification: Benign. Last evaluated: 2026-01-21. Review status: criteria provided, single submitter. Criteria: LabCorp Variant Classification Summary - May 2015. Collection method: clinical testing. Allele origin: germline.

Blueprint Genetics
Classification: Benign. Last evaluated: 2024-11-28. Review status: criteria provided, single submitter. Criteria: ACMG Guidelines, 2015. Collection method: clinical testing. Allele origin: germline.

Unidad de Genómica Garrahan, Hospital de Pediatría Garrahan
Classification: Benign. Last evaluated: 2024-01-24. Review status: criteria provided, single submitter. Criteria: ACMG Guidelines, 2015. Collection method: clinical testing. Allele origin: germline. Affected: no. Observed: 81 variant alleles.
Comment: This variant is classified as Benign based on local population frequency. This variant was detected in 85% of patients studied by a panel of primary immunodeficiencies. Number of patients: 81. Only high quality variants are reported.

Genome-Nilou Lab
Classification: Benign for Leukocyte adhesion deficiency 1. Last evaluated: 2021-08-19. Review status: criteria provided, single submitter. Criteria: ACMG Guidelines, 2015. Collection method: clinical testing. Allele origin: germline. Affected: no.

Mayo Clinic Laboratories, Mayo Clinic
Classification: Benign. Last evaluated: 2018-06-06. Review status: criteria provided, single submitter. Criteria: ACMG Guidelines, 2015. Collection method: clinical testing. Allele origin: germline. Observed: 714 variant alleles.

Illumina Laboratory Services, Illumina
Classification: Benign for Leukocyte adhesion deficiency 1. Last evaluated: 2018-01-13. Review status: criteria provided, single submitter. Criteria: ICSL Variant Classification Criteria 13 December 2019. Collection method: clinical testing. Allele origin: germline.
Comment: This variant was observed in the ICSL laboratory as part of a predisposition screen in an ostensibly healthy population. It had not been previously curated by ICSL or reported in the Human Gene Mutation Database (HGMD: prior to June 1st, 2018), and was therefore a candidate for classification through an automated scoring system. Utilizing variant allele frequency, disease prevalence and penetrance estimates, and inheritance mode, an automated score was calculated to assess if this variant is too frequent to cause the disease. Based on the score and internal cut-off values, a variant classified as benign is not then subjected to further curation. The score for this variant resulted in a classification of benign for this disease.

Laboratory for Molecular Medicine, Mass General Brigham Personalized Medicine
Classification: Benign. Last evaluated: 2016-03-28. Review status: criteria provided, single submitter. Criteria: LMM Criteria. Collection method: clinical testing. Allele origin: germline.
Comment: Variant identified in a genome or exome case(s) and assessed due to predicted null impact of the variant or pathogenic assertions in the literature or databases. Disclaimer: This variant has not undergone full assessment. The following are preliminary notes: Frequency

GeneDx
Classification: Benign. Last evaluated: 2015-03-03. Review status: criteria provided, single submitter. Criteria: GeneDx Variant Classification Process June 2021. Collection method: clinical testing. Allele origin: germline. Affected: yes.

Breakthrough Genomics
Classification: Benign. Review status: criteria provided, single submitter. Criteria: ACMG Guidelines, 2015. Collection method: not provided. Allele origin: germline. Inheritance: Autosomal recessive inheritance. Affected: yes.

Diagnostic Laboratory, Department of Genetics, University Medical Center Groningen
Classification: Benign. Review status: no assertion criteria provided. Collection method: clinical testing. Allele origin: germline. Affected: yes. Study: VKGL Data-share Consensus. Not counted in ClinVar's aggregate classification.

Joint Genome Diagnostic Labs from Nijmegen and Maastricht, Radboudumc and MUMC+
Classification: Benign. Review status: no assertion criteria provided. Collection method: clinical testing. Allele origin: germline. Affected: yes. Study: VKGL Data-share Consensus. Not counted in ClinVar's aggregate classification.